The following is an entry in ClinVar:

NM_000532.5(PCCB):c.334G>C (p.Gly112Arg)

Gene: PCCB (propionyl-CoA carboxylase subunit beta; plus strand). Cytogenetic location: 3q22.3.
Variant type: single nucleotide variant.
Coding change: c.334G>C on transcript NM_000532.5 (MANE Select); coding-DNA position 334, G replaced by C.
Protein change: p.Gly112Arg; replaces glycine 112 with arginine.
Molecular consequence: missense variant.
Genome position (GRCh38, 1-based): chr3:136,256,585, G>C. VCF-style: chr3-136256585-G-C. GRCh37 (hg19) VCF-style: chr3-135975427-G-C.
Other names: c.334G>C, p.Gly112Arg (NM_001178014.2); short protein forms G112R.
Identifiers: ClinVar variation 3896150 (VCV003896150.2).
Genomic context (GRCh38, chr3:136,256,585, plus strand): 5'-TTAACCTTTATTTTTGCATTTTTCTGGTAGTTTCCTGGAGACAGCGTGGTCACTGGACGA[G>C]GCCGAATCAATGGAAGATTGGTTTATGTCTTCAGTCAGGTATTTCATAACTCCAATAGTC-3'
Protein context (NP_000523.2, residues 102-122): FPGDSVVTGR[Gly112Arg]RINGRLVYVF

ClinVar aggregate classification (germline): Uncertain significance (1 of 4 stars; one submission).

gnomAD v4.1: 5 of 1,613,426 alleles (0.00031%); highest among the groups gnomAD compares: Non-Finnish European, 0.00042%; no homozygotes.

Submission:

Women's Health and Genetics/Laboratory Corporation of America, LabCorp
Classification: Uncertain significance. Last evaluated: 2025-04-21. Review status: criteria provided, single submitter. Criteria: LabCorp Variant Classification Summary - May 2015. Collection method: clinical testing. Allele origin: germline.
Comment: Variant summary: PCCB c.334G>C (p.Gly112Arg) results in a non-conservative amino acid change in the encoded protein sequence. Five of five in-silico tools predict a damaging effect of the variant on protein function. The variant was absent in 251476 control chromosomes (gnomAD). The available data on variant occurrences in the general population are insufficient to allow any conclusion about variant significance. To our knowledge, no occurrence of c.334G>C in individuals affected with Propionic Acidemia and no experimental evidence demonstrating its impact on protein function have been reported. No submitters have cited clinical-significance assessments for this variant to ClinVar. Based on the evidence outlined above, the variant was classified as uncertain significance.